The following is an entry in ClinVar:

NM_000179.3(MSH6):c.3439-11C>T

Gene: MSH6 (mutS homolog 6; plus strand). Cytogenetic location: 2p16.3.
Variant type: single nucleotide variant.
Coding change: c.3439-11C>T on transcript NM_000179.3 (MANE Select); 11 bases into the intron before coding-DNA position 3439, C replaced by T.
Molecular consequence: intron variant.
Genome position (GRCh38, 1-based): chr2:47,804,899, C>T. VCF-style: chr2-47804899-C-T. GRCh37 (hg19) VCF-style: chr2-48032038-C-T.
Other names: c.3439-11C>T (NM_001406809.1, NM_001406796.1, NM_001406808.1 and 1 more transcripts); c.2533-11C>T (NM_001406811.1, NM_001406814.1, NM_001281493.2 and 6 more transcripts); c.3142-11C>T (NM_001406805.1, NM_001406797.1, NM_001406801.1 and 10 more transcripts); c.3535-11C>T (NM_001406795.1, NM_001406802.1); c.3445-11C>T (NM_001406813.1); c.2914-11C>T (NM_001406807.1, NM_001406799.1, NM_001406806.1); c.3265-11C>T (NM_001406798.1); c.2575-11C>T (NM_001406803.1); and 7 more.
Identifiers: ClinVar variation 2773661 (VCV002773661.6), dbSNP rs1415948399, ClinGen allele CA532705766.

ClinVar aggregate classification (germline): Likely benign. Review status: criteria provided, multiple submitters, no conflicts (2 of 4 stars). 3 submissions from 3 submitters: Likely benign (3). Last evaluated 2026-01-10.

Conditions:
Hereditary nonpolyposis colorectal neoplasms. Identifiers: MedGen C0009405, MeSH D003123.
Lynch syndrome 5 (LYNCH5). Also called: Colorectal cancer, hereditary nonpolyposis, type 5; Hereditary non-polyposis colorectal cancer, type 5. Identifiers: Orphanet 144, MedGen C1833477, MONDO:0013710, OMIM 614350. Disease mechanism: loss of function.
Hereditary cancer-predisposing syndrome. Also called: Hereditary neoplastic syndrome; Hereditary Cancer Syndrome; Neoplastic Syndromes, Hereditary; Tumor predisposition. Identifiers: Orphanet 140162, MedGen C0027672, MeSH D009386, MONDO:0015356.

Allele frequency attached by ClinVar (database versions not stated): gnomAD exomes below 0.00001.
gnomAD v4.1: 1 of 1,605,178 alleles (0.000062%); highest among the groups gnomAD compares: East Asian, 0.0022%; no homozygotes.

Submissions (3):

Labcorp Genetics (formerly Invitae), Labcorp
Classification: Likely benign for Hereditary nonpolyposis colorectal neoplasms. Last evaluated: 2026-01-10. Review status: criteria provided, single submitter. Criteria: Invitae Variant Classification Sherloc (09022015). Collection method: clinical testing. Allele origin: germline.

Myriad Genetics, Inc.
Classification: Likely benign for Lynch syndrome 5. Last evaluated: 2025-01-07. Review status: criteria provided, single submitter. Criteria: Myriad Autosomal Dominant, Autosomal Recessive and X-Linked Classification Criteria (2023). Collection method: clinical testing. Allele origin: unknown.
Comment: This variant is considered likely benign. This variant is intronic and is not expected to impact mRNA splicing.

Color Diagnostics, LLC DBA Color Health
Classification: Likely benign for Hereditary cancer-predisposing syndrome. Last evaluated: 2022-08-01. Review status: criteria provided, single submitter. Criteria: ACMG Guidelines, 2015. Collection method: clinical testing. Allele origin: germline.